The following is an entry in ClinVar:

ClinVar aggregate classification (germline): Pathogenic/Likely pathogenic. Review status: criteria provided, multiple submitters, no conflicts (2 of 4 stars). 9 submissions from 8 submitters: Pathogenic (4); Likely pathogenic (2). 3 of the submissions do not count toward it. Last evaluated 2025-10-21.

Conditions:
TSC2-related disorder. Also called: TSC2-Related Disorders; TSC2-related condition.
Hereditary cancer-predisposing syndrome. Also called: Tumor predisposition; Neoplastic Syndromes, Hereditary; Hereditary neoplastic syndrome; Hereditary Cancer Syndrome. Identifiers: Orphanet 140162, MedGen C0027672, MeSH D009386, MONDO:0015356.
Tuberous sclerosis syndrome (TSC). Also called: Tuberous Sclerosis Complex; Tuberous sclerosis. Identifiers: Orphanet 805, MedGen C0041341, MONDO:0001734.
Tuberous sclerosis 2 (TSC2). Identifiers: Orphanet 805, MedGen C1860707, MONDO:0013199, OMIM 613254.
Intellectual disability. Also called: intellectual disabilities; Intellectual developmental disorder; Intellectual functioning disability. Identifiers: MedGen C3714756, MeSH D008607, MONDO:0001071, HP:0001249.

Submissions (9):

Ambry Genetics
Classification: Likely pathogenic for Hereditary cancer-predisposing syndrome. Last evaluated: 2025-10-21. Review status: criteria provided, single submitter. Criteria: Ambry Variant Classification Scheme 2023. Collection method: clinical testing. Allele origin: germline.
Comment: The c.2459_2461delTCA variant (also known as p.I820del) is located in coding exon 21 of the TSC2 gene. This variant results from an in-frame TCA deletion at nucleotide positions 2459 to 2461. This results in the in-frame deletion of an isoleucine at codon 820. This variant was reported in individuals with features consistent with tuberous sclerosis complex; in at least one individual, it was reported to be de novo (Nellist M et al. BMC Med Genet, 2008 Feb;9:10; Meng Y et al. J Hum Genet, 2021 Mar;66:227-236; external laboratory data). In multiple assays testing TSC2 function, this variant showed functionally abnormal results (Nellist M et al. BMC Med Genet, 2008 Feb;9:10; Hoogeveen-Westerveld M et al. Hum Mutat, 2011 Apr;32:424-35). Note, this variant is also referred to as c.2451_2453del and c.2476delATC in the literature. This amino acid position is well conserved in available vertebrate species. In addition, this variant is predicted to be deleterious by in silico analysis (Choi Y et al. PLoS ONE. 2012; 7(10):e46688). This variant is considered to be rare based on population cohorts in the Genome Aggregation Database (gnomAD). Based on the majority of available evidence to date, this variant is likely to be pathogenic.

GeneDx
Classification: Pathogenic. Last evaluated: 2025-05-05. Review status: criteria provided, single submitter. Criteria: GeneDx Variant Classification Process June 2021. Collection method: clinical testing. Allele origin: germline. Affected: yes.
Comment: Reported in the published literature using alternate nomenclature as c.2476delATC (p.I820del) in a patient with tuberous sclerosis complex who also had a missense variant (R1772C) that did not affect TSC function (PMID: 18302728); Reported in the LOVD TSC2 database in several patients reported to have clinical features of TSC, and in two families variant was noted to be inherited from a parent with mild features of TSC; Not observed at significant frequency in large population cohorts (gnomAD); In silico analysis supports a deleterious effect on protein structure/function; In-frame deletion of 1 amino acid(s) in a non-repeat region; This variant is associated with the following publications: (PMID: 15798777, 21520333, 21309039, 32917966, 31440721, 18302728)

Labcorp Genetics (formerly Invitae), Labcorp
Classification: Pathogenic for Tuberous sclerosis 2. Last evaluated: 2025-03-18. Review status: criteria provided, single submitter. Criteria: Invitae Variant Classification Sherloc (09022015). Collection method: clinical testing. Allele origin: germline.
Comment: This variant, c.2459_2461del, results in the deletion of 1 amino acid(s) of the TSC2 protein (p.Ile820del), but otherwise preserves the integrity of the reading frame. This variant is not present in population databases (gnomAD no frequency). This variant has been observed in individuals with clinical features of tuberous sclerosis complex (PMID: 18302728, 21309039, 21520333; internal data). It has also been observed to segregate with disease in related individuals. Algorithms developed to predict the effect of variants on gene product structure and function are not available or were not evaluated for this variant. Experimental studies have shown that this variant affects TSC2 function (PMID: 18302728, 21309039). For these reasons, this variant has been classified as Pathogenic.

Blueprint Genetics
Classification: Likely pathogenic for TSC2-related disorders. Last evaluated: 2024-08-13. Review status: criteria provided, single submitter. Criteria: ACMG Guidelines, 2015. Collection method: clinical testing. Allele origin: germline. Affected: yes. Observed: 2 variant alleles.

Athena Diagnostics
Classification: Pathogenic. Last evaluated: 2024-03-27. Review status: criteria provided, single submitter. Criteria: Athena Diagnostics Criteria. Collection method: clinical testing. Allele origin: unknown.
Comment: This variant has not been reported in large, multi-ethnic general populations. This variant has been identified in multiple unrelated individuals with clinical features associated with this gene, including individuals where it appears to occur de novo. In some published literature, this variant is referred to as c.2451_2453del. Assessment of experimental evidence suggests this variant results in abnormal protein function. (PMID: 18302728, 21309039)

Institute of Human Genetics, University of Leipzig Medical Center
Classification: Pathogenic for Tuberous sclerosis 2. Last evaluated: 2021-08-19. Review status: criteria provided, single submitter. Criteria: ACMG Guidelines, 2015. Collection method: clinical testing. Allele origin: de novo. Affected: yes.
Comment: This variant was identified as de novo (maternity and paternity confirmed).

Tuberous sclerosis database (TSC2)
No classification provided. Condition: TSC. Review status: no classification provided. Criteria: Tuberous Sclerosis Database Assertion Criteria 2015. Collection method: curation. Allele origin: germline. Affected: yes. Not counted in ClinVar's aggregate classification.

Diagnostic Laboratory, Strasbourg University Hospital
Classification: Uncertain significance for Intellectual disability. Last evaluated: 2020-09-10. Review status: flagged submission. Criteria: ACMG Guidelines, 2015. Collection method: clinical testing. Allele origin: paternal. Affected: yes. Observed: 1 heterozygote. Not counted in ClinVar's aggregate classification.
ClinVar note: Reason: Outlier claim with insufficient supporting evidence

Tuberous sclerosis database (TSC2)
No classification provided. Last evaluated: 2011-04-06. Review status: flagged submission. Criteria: Tuberous Sclerosis Database Assertion Criteria 2015. Collection method: curation. Allele origin: unknown. Not counted in ClinVar's aggregate classification.
ClinVar note: Reason: This record appears to be redundant with a more recent record from the same submitter.
ClinVar note: Notes: SCV000066648 appears to be redundant with SCV000066649.

Literature cited by the submitters: PubMed 18302728 (cited by 3 submitters); PubMed 21309039 (cited by 3 submitters); PubMed 32917966 (cited by Ambry Genetics and Athena Diagnostics); PubMed 21520333 (cited by Labcorp Genetics (formerly Invitae), Labcorp); PubMed 15798777 (cited by Athena Diagnostics); PubMed 31440721 (cited by Athena Diagnostics).

NM_000548.5(TSC2):c.2453TCA[2] (p.Ile820del)

Gene: TSC2 (TSC complex subunit 2; plus strand). Cytogenetic location: 16p13.3.
Variant type: Microsatellite.
Coding change: c.2453TCA[2] on transcript NM_000548.5 (MANE Select); two copies in a row of the 3-base unit TCA starting at c.2453; the reference has three copies in a row; one copy, 3 bases deleted; also written c.2459_2461del.
Protein change: p.Ile820del; deletes isoleucine 820.
Molecular consequence: inframe deletion.
Genome position (GRCh38, 1-based): chr16:2,074,303-2,074,305, TCA deleted; deleting any 3 consecutive bases within chr16:2,074,295-2,074,305 gives the same sequence; the position shown is the placement nearest the transcript's 3' end. VCF-style (leftmost placement, unchanged base first): chr16-2074294-ACAT-A. GRCh37 (hg19) VCF-style: chr16-2124295-ACAT-A.
Other names: c.2453TCA[2], p.Ile820del (NM_001077183.3, NM_001114382.3, NM_001363528.2 and 3 more transcripts); c.2342TCA[2], p.Ile783del (NM_001318827.2); c.2306TCA[2], p.Ile771del (NM_001318829.2); c.1853TCA[2], p.Ile620del (NM_001318831.2); c.2486TCA[2], p.Ile831del (NM_001318832.2); c.2459_2461delTCA (NM_000548.3); c.2459_2461del (NM_000548.5); short protein forms I820del, I771del, I620del, I783del, I831del.
Identifiers: ClinVar variation 49592 (VCV000049592.19), dbSNP rs137854128, ClinGen allele CA017444.